The following is an entry in ClinVar:

NM_001276.4(CHI3L1):c.722_725dup (p.Tyr243fs)

Gene: CHI3L1 (chitinase 3 like 1; minus strand). Cytogenetic location: 1q32.1.
Variant type: Duplication.
Coding change: c.722_725dup on transcript NM_001276.4 (MANE Select); coding-DNA positions 722 to 725, 4 bases duplicated (TGGG; older notation c.722_725dupTGGG).
Protein change: p.Tyr243fs; shifts the reading frame from tyrosine 243.
Molecular consequence: frameshift variant.
Genome position (GRCh38, 1-based): chr1:203,180,639-203,180,642, CCCA duplicated on the plus strand (TGGG on the coding strand, the reverse complement: CHI3L1 is on the minus strand); duplicating any 4 consecutive bases within chr1:203,180,639-203,180,643 gives the same sequence; the c. name uses the placement nearest the transcript's 3' end. VCF-style (leftmost placement, unchanged base first): chr1-203180638-C-CCCCA. GRCh37 (hg19) VCF-style: chr1-203149766-C-CCCCA.
Other names: c.722_725dupTGGG (NM_001276.4); short protein forms Y243fs.
Identifiers: ClinVar variation 3769327 (VCV003769327.2).

ClinVar aggregate classification (germline): Uncertain significance (1 of 4 stars; one submission).

Submission:

Women's Health and Genetics/Laboratory Corporation of America, LabCorp
Classification: Uncertain significance. Last evaluated: 2025-01-02. Review status: criteria provided, single submitter. Criteria: LabCorp Variant Classification Summary - May 2015. Collection method: clinical testing. Allele origin: germline.
Comment: Variant summary: CHI3L1 c.722_725dupTGGG (p.Tyr243GlyfsX12) results in a premature termination codon, predicted to cause a truncation of the encoded protein or absence of the protein due to nonsense mediated decay, however current evidence is not sufficient to establish loss of function as a mechanism for disease. The variant was absent in 246778 control chromosomes. The available data on variant occurrences in the general population are insufficient to allow any conclusion about variant significance. To our knowledge, no occurrence of c.722_725dupTGGG in individuals affected with CHI3L1-Related Disorders and no experimental evidence demonstrating its impact on protein function have been reported. No submitters have cited clinical-significance assessments for this variant to ClinVar. Based on the evidence outlined above, the variant was classified as uncertain significance.